The following is an entry in ClinVar:

ClinVar aggregate classification (germline): Pathogenic (1 of 4 stars; one submission).

Conditions:
PRPH2-related disorder. Also called: PRPH2-related condition; PRPH2-related disorders. Identifiers: MedGen CN239395.

Submission:

Labcorp Genetics (formerly Invitae), Labcorp
Classification: Pathogenic for PRPH2-related disorder. Last evaluated: 2025-06-03. Review status: criteria provided, single submitter. Criteria: Invitae Variant Classification Sherloc (09022015). Collection method: clinical testing. Allele origin: germline.
Comment: This sequence change creates a premature translational stop signal (p.Tyr141*) in the PRPH2 gene. It is expected to result in an absent or disrupted protein product. Loss-of-function variants in PRPH2 are known to be pathogenic (PMID: 8111389, 8485575, 8485576, 8675410, 16916875, 17504850, 22863181, 25675413, 26061163, 27365499, 29555955, 33546218). This variant is not present in population databases (gnomAD no frequency). This premature translational stop signal has been observed in individual(s) with PRPH2-related conditions (PMID: 34411390). ClinVar contains an entry for this variant (Variation ID: 2752176). For these reasons, this variant has been classified as Pathogenic.

Literature cited by the submitters: PubMed 8111389; PubMed 8485575; PubMed 8485576; PubMed 8675410; PubMed 16916875; PubMed 17504850; PubMed 22863181; PubMed 25675413; PubMed 26061163; PubMed 27365499; PubMed 29555955; PubMed 33546218; PubMed 34411390.

NM_000322.5(PRPH2):c.423C>G (p.Tyr141Ter)

Gene: PRPH2 (peripherin 2; minus strand). Cytogenetic location: 6p21.1.
Variant type: single nucleotide variant.
Coding change: c.423C>G on transcript NM_000322.5 (MANE Select); coding-DNA position 423, C replaced by G.
Protein change: p.Tyr141Ter; replaces tyrosine 141 with a stop codon.
Molecular consequence: nonsense.
Genome position (GRCh38, 1-based): chr6:42,721,912, G>C on the plus strand (C>G on the coding strand, the complement: PRPH2 is on the minus strand). VCF-style: chr6-42721912-G-C. GRCh37 (hg19) VCF-style: chr6-42689650-G-C.
Other names: short protein forms Y141*.
Identifiers: ClinVar variation 2752176 (VCV002752176.3), dbSNP rs2152010946, ClinGen allele CA364137589.